The following is an entry in ClinVar:

ClinVar aggregate classification (germline): Uncertain significance (1 of 4 stars; one submission).

Conditions:
Hyperkalemic periodic paralysis. Also called: Familial hyperkalemic periodic paralysis; Gamstorp disease. Identifiers: Orphanet 682, MedGen C0238357, MONDO:0008224, OMIM 170500, HP:0007215.

Allele frequency attached by ClinVar (database versions not stated): gnomAD exomes below 0.00001.

Submission:

Labcorp Genetics (formerly Invitae), Labcorp
Classification: Uncertain significance for Hyperkalemic periodic paralysis. Last evaluated: 2019-07-12. Review status: criteria provided, single submitter. Criteria: Invitae Variant Classification Sherloc (09022015). Collection method: clinical testing. Allele origin: germline.
Comment: This sequence change replaces threonine with isoleucine at codon 967 of the SCN4A protein (p.Thr967Ile). The threonine residue is highly conserved and there is a moderate physicochemical difference between threonine and isoleucine. This variant is not present in population databases (ExAC no frequency). This variant has not been reported in the literature in individuals with SCN4A-related conditions. Algorithms developed to predict the effect of missense changes on protein structure and function (SIFT, PolyPhen-2, Align-GVGD) all suggest that this variant is likely to be disruptive, but these predictions have not been confirmed by published functional studies and their clinical significance is uncertain. In summary, the available evidence is currently insufficient to determine the role of this variant in disease. Therefore, it has been classified as a Variant of Uncertain Significance.

NM_000334.4(SCN4A):c.2900C>T (p.Thr967Ile)

Genes: GH-LCR (growth hormone locus control region; plus strand), SCN4A (sodium voltage-gated channel alpha subunit 4; minus strand). Cytogenetic location: 17q23.3.
Variant type: single nucleotide variant.
Coding change: c.2900C>T on transcript NM_000334.4 (MANE Select); coding-DNA position 2900, C replaced by T.
Protein change: p.Thr967Ile; replaces threonine 967 with isoleucine.
Molecular consequence: missense variant.
Genome position (GRCh38, 1-based): chr17:63,949,482, G>A on the plus strand (C>T on the coding strand, the complement: SCN4A is on the minus strand). VCF-style: chr17-63949482-G-A. GRCh37 (hg19) VCF-style: chr17-62026842-G-A.
Other names: short protein forms T967I.
Identifiers: ClinVar variation 954175 (VCV000954175.10), dbSNP rs1908838389, ClinGen allele CA400622498.
Genomic context (GRCh38, chr17:63,949,482, plus strand): 5'-CCCTCGGGGTTCTCCTCTGCCTGCTCCTCAGGGTCCTCCTCGGGGGGCTTGTAGTCAGCT[G>A]TGCTGCAGACGGACGAGTTCCCATCATAGAGAGGCTGCGGCGGCTTCTGCGGAGGCCACA-3'
Protein context (NP_000325.4, residues 957-977): LYDGNSSVCS[Thr967Ile]ADYKPPEEDP